The following is an entry in ClinVar:

ClinVar aggregate classification (germline): Uncertain significance. Review status: criteria provided, multiple submitters, no conflicts (2 of 4 stars). 3 submissions from 3 submitters: Uncertain significance (3). Last evaluated 2023-04-11.

Conditions:
Inborn genetic diseases. Identifiers: MedGen C0950123, MeSH D030342.
Microcephaly 5, primary, autosomal recessive (MCPH5). Also called: ASPM Primary Microcephaly. Identifiers: Orphanet 2512, MedGen C1837501, MONDO:0012106, OMIM 608716.

Allele frequency attached by ClinVar (database versions not stated): gnomAD exomes 0.00001.
gnomAD v4.1: 17 of 1,612,378 alleles (0.0011%); highest among the groups gnomAD compares: Middle Eastern, 0.033%; no homozygotes.

Submissions (3):

Genome-Nilou Lab
Classification: Uncertain significance for Microcephaly 5, primary, autosomal recessive. Last evaluated: 2023-04-11. Review status: criteria provided, single submitter. Criteria: ACMG Guidelines, 2015. Collection method: clinical testing. Allele origin: germline. Affected: no.

Ambry Genetics
Classification: Uncertain significance for Inborn genetic diseases. Last evaluated: 2022-09-26. Review status: criteria provided, single submitter. Criteria: Ambry Variant Classification Scheme 2023. Collection method: clinical testing. Allele origin: germline.

Labcorp Genetics (formerly Invitae), Labcorp
Classification: Uncertain significance. Last evaluated: 2022-04-01. Review status: criteria provided, single submitter. Criteria: Invitae Variant Classification Sherloc (09022015). Collection method: clinical testing. Allele origin: germline.
Comment: This sequence change replaces glutamine, which is neutral and polar, with arginine, which is basic and polar, at codon 2501 of the ASPM protein (p.Gln2501Arg). This variant is present in population databases (rs778023526, gnomAD 0.003%). This variant has not been reported in the literature in individuals affected with ASPM-related conditions. Algorithms developed to predict the effect of missense changes on protein structure and function output the following: SIFT: "Tolerated"; PolyPhen-2: "Benign"; Align-GVGD: "Class C0". The arginine amino acid residue is found in multiple mammalian species, which suggests that this missense change does not adversely affect protein function. In summary, the available evidence is currently insufficient to determine the role of this variant in disease. Therefore, it has been classified as a Variant of Uncertain Significance.

NM_018136.5(ASPM):c.7502A>G (p.Gln2501Arg)

Gene: ASPM (assembly factor for spindle microtubules; minus strand). Cytogenetic location: 1q31.3.
Variant type: single nucleotide variant.
Coding change: c.7502A>G on transcript NM_018136.5 (MANE Select); coding-DNA position 7502, A replaced by G.
Protein change: p.Gln2501Arg; replaces glutamine 2501 with arginine.
Molecular consequence: missense variant. On other transcripts: intron variant (1).
Genome position (GRCh38, 1-based): chr1:197,101,749, T>C on the plus strand (A>G on the coding strand, the complement: ASPM is on the minus strand). VCF-style: chr1-197101749-T-C. GRCh37 (hg19) VCF-style: chr1-197070879-T-C.
Other names: c.4066-5585A>G (NM_001206846.2); short protein forms Q2501R.
Identifiers: ClinVar variation 2176291 (VCV002176291.3), dbSNP rs778023526, ClinGen allele CA35870690.
Genomic context (GRCh38, chr1:197,101,749, plus strand): 5'-TTTGCAGCTCTATATGTTCGATAATGTTGCTGAATTAGAATTGAAGCATGTTTCCAAGTC[T>C]GAAATGTAATATATGTTCTGTACATCCTGAAAGTAGCCTGAATGAGAACTGCAGCCCTTT-3'
Protein context (NP_060606.3, residues 2491-2511): FRMYRTYITF[Gln2501Arg]TWKHASILIQ